The following is an entry in ClinVar:

NM_152383.5(DIS3L2):c.911G>C (p.Arg304Pro)

Gene: DIS3L2 (DIS3 like 3'-5' exoribonuclease 2; plus strand). Cytogenetic location: 2q37.1.
Variant type: single nucleotide variant.
Coding change: c.911G>C on transcript NM_152383.5 (MANE Select); coding-DNA position 911, G replaced by C.
Protein change: p.Arg304Pro; replaces arginine 304 with proline.
Molecular consequence: missense variant. On other transcripts: non-coding transcript variant (1).
Genome position (GRCh38, 1-based): chr2:232,136,680, G>C. VCF-style: chr2-232136680-G-C. GRCh37 (hg19) VCF-style: chr2-233001390-G-C.
Other names: c.911G>C, p.Arg304Pro (NM_001257281.2); short protein forms R304P.
Identifiers: ClinVar variation 967363 (VCV000967363.1), dbSNP rs1386953024, ClinGen allele CA351153860.
Genomic context (GRCh38, chr2:232,136,680, plus strand): 5'-ACTGTCCCCAGGACTTTGTGGCACGGCCTAAAGATTATGCCAACACACTGTTCATCTGCC[G>C]CATTGTGGACTGGAAGGAGGACTGCAATTTTGCCCTGGGGTAGGTGATCTCTGGTAGGAA-3'
Protein context (NP_689596.4, residues 294-314): KDYANTLFIC[Arg304Pro]IVDWKEDCNF

ClinVar aggregate classification (germline): Uncertain significance (1 of 4 stars; one submission).

Conditions:
Perlman syndrome (PRLMNS). Identifiers: Orphanet 2849, MedGen C0796113, MONDO:0009965, OMIM 267000.

gnomAD v4.1: 1 of 1,613,926 alleles (0.000062%); highest among the groups gnomAD compares: Non-Finnish European, 0.000085%; no homozygotes.

Submission:

Labcorp Genetics (formerly Invitae), Labcorp
Classification: Uncertain significance for Perlman syndrome. Last evaluated: 2019-10-28. Review status: criteria provided, single submitter. Criteria: Invitae Variant Classification Sherloc (09022015). Collection method: clinical testing. Allele origin: germline.
Comment: This sequence change replaces arginine with proline at codon 304 of the DIS3L2 protein (p.Arg304Pro). The arginine residue is moderately conserved and there is a moderate physicochemical difference between arginine and proline. This variant is not present in population databases (ExAC no frequency). This variant has not been reported in the literature in individuals with DIS3L2-related conditions. Algorithms developed to predict the effect of missense changes on protein structure and function are either unavailable or do not agree on the potential impact of this missense change (SIFT: "Tolerated"; PolyPhen-2: "Possibly Damaging"; Align-GVGD: "Class C0"). In summary, the available evidence is currently insufficient to determine the role of this variant in disease. Therefore, it has been classified as a Variant of Uncertain Significance.